The following is an entry in ClinVar:

ClinVar aggregate classification (germline): Uncertain significance. Review status: criteria provided, multiple submitters, no conflicts (2 of 4 stars). 2 submissions from 2 submitters: Uncertain significance (2). Last evaluated 2023-04-07.

Conditions:
Hereditary cancer-predisposing syndrome. Also called: Hereditary neoplastic syndrome; Neoplastic Syndromes, Hereditary; Tumor predisposition; Hereditary Cancer Syndrome. Identifiers: Orphanet 140162, MedGen C0027672, MeSH D009386, MONDO:0015356.

Allele frequency attached by ClinVar (database versions not stated): gnomAD exomes below 0.00001.
gnomAD v4.1: 1 of 1,614,112 alleles (0.000062%); highest among the groups gnomAD compares: South Asian, 0.0011%; no homozygotes.

Submissions (2):

Ambry Genetics
Classification: Uncertain significance for Hereditary cancer-predisposing syndrome. Last evaluated: 2023-04-07. Review status: criteria provided, single submitter. Criteria: Ambry Variant Classification Scheme 2023. Collection method: clinical testing. Allele origin: germline.
Comment: The p.I611T variant (also known as c.1832T>C), located in coding exon 13 of the MSH3 gene, results from a T to C substitution at nucleotide position 1832. The isoleucine at codon 611 is replaced by threonine, an amino acid with similar properties. This amino acid position is conserved. In addition, the in silico prediction for this alteration is inconclusive. Since supporting evidence is limited at this time, the clinical significance of this alteration remains unclear.

Labcorp Genetics (formerly Invitae), Labcorp
Classification: Uncertain significance. Last evaluated: 2021-10-22. Review status: criteria provided, single submitter. Criteria: Invitae Variant Classification Sherloc (09022015). Collection method: clinical testing. Allele origin: germline.
Comment: This variant is not present in population databases (ExAC no frequency). This variant has not been reported in the literature in individuals affected with MSH3-related conditions. Algorithms developed to predict the effect of missense changes on protein structure and function are either unavailable or do not agree on the potential impact of this missense change (SIFT: "Deleterious"; PolyPhen-2: "Possibly Damaging"; Align-GVGD: "Class C0"). In summary, the available evidence is currently insufficient to determine the role of this variant in disease. Therefore, it has been classified as a Variant of Uncertain Significance. This sequence change replaces isoleucine with threonine at codon 611 of the MSH3 protein (p.Ile611Thr). The isoleucine residue is moderately conserved and there is a moderate physicochemical difference between isoleucine and threonine.

NM_002439.5(MSH3):c.1832T>C (p.Ile611Thr)

Gene: MSH3 (mutS homolog 3; plus strand). Cytogenetic location: 5q14.1.
Variant type: single nucleotide variant.
Coding change: c.1832T>C on transcript NM_002439.5 (MANE Select); coding-DNA position 1832, T replaced by C.
Protein change: p.Ile611Thr; replaces isoleucine 611 with threonine.
Molecular consequence: missense variant.
Genome position (GRCh38, 1-based): chr5:80,761,614, T>C. VCF-style: chr5-80761614-T-C. GRCh37 (hg19) VCF-style: chr5-80057433-T-C.
Other names: c.1832T>C (NM_002439.3); short protein forms I611T.
Identifiers: ClinVar variation 1035017 (VCV001035017.8), dbSNP rs1744035388, ClinGen allele CA360276608.